The following is an entry in ClinVar:

NM_033004.4(NLRP1):c.3780del (p.Lys1261fs)

Gene: NLRP1 (NLR family pyrin domain containing 1; minus strand). Cytogenetic location: 17p13.2.
Variant type: Deletion.
Coding change: c.3780del on transcript NM_033004.4 (MANE Select); coding-DNA position 3780, one base deleted (G; older notation c.3780delG).
Protein change: p.Lys1261fs; shifts the reading frame from lysine 1261.
Molecular consequence: frameshift variant.
Genome position (GRCh38, 1-based): chr17:5,521,527, C deleted on the plus strand (G on the coding strand, the reverse complement: NLRP1 is on the minus strand); the first of 2 consecutive C bases (chr17:5,521,527-5,521,528); deleting either gives the same sequence. VCF-style (leftmost placement, unchanged base first): chr17-5521526-TC-T. GRCh37 (hg19) VCF-style: chr17-5424846-TC-T.
Other names: c.3792del, p.Lys1265fs (NM_001033053.3); c.3780del, p.Lys1261fs (NM_014922.5); c.3690del, p.Lys1231fs (NM_033006.4, NM_033007.4); short protein forms K1261fs, K1265fs, K1231fs.
Identifiers: ClinVar variation 1509272 (VCV001509272.5), dbSNP rs773693136, ClinGen allele CA8326753.
Genomic context (GRCh38, chr17:5,521,526, plus strand): 5'-GCATTTTGTGTTTACCGTCAACCCACCGTGGCCCAGCCTTTCTGGCTCTTAGTGTCACCT[TC>T]CGAATGGAGCAGTCACTTGGGATCAGGTAGAGGTGGAAGGTGACTTCCTCAGGATGGACG-3'

ClinVar aggregate classification (germline): Uncertain significance (1 of 4 stars; one submission).

Submission:

Labcorp Genetics (formerly Invitae), Labcorp
Classification: Uncertain significance. Last evaluated: 2022-06-25. Review status: criteria provided, single submitter. Criteria: Invitae Variant Classification Sherloc (09022015). Collection method: clinical testing. Allele origin: germline.
Comment: In summary, the available evidence is currently insufficient to determine the role of this variant in disease. Therefore, it has been classified as a Variant of Uncertain Significance. Algorithms developed to predict the effect of sequence changes on RNA splicing suggest that this variant may disrupt the consensus splice site. This variant has not been reported in the literature in individuals affected with NLRP1-related conditions. This variant is present in population databases (rs773693136, gnomAD 0.002%). This sequence change creates a premature translational stop signal (p.Lys1261Argfs*3) in the NLRP1 gene. It is expected to result in an absent or disrupted protein product. However, the current clinical and genetic evidence is not sufficient to establish whether loss-of-function variants in NLRP1 cause disease.